The following is an entry in ClinVar:

NM_001453.3(FOXC1):c.1159G>C (p.Ala387Pro)

Gene: FOXC1 (forkhead box C1; plus strand). Cytogenetic location: 6p25.3.
Variant type: single nucleotide variant.
Coding change: c.1159G>C on transcript NM_001453.3 (MANE Select); coding-DNA position 1159, G replaced by C.
Protein change: p.Ala387Pro; replaces alanine 387 with proline.
Molecular consequence: missense variant.
Genome position (GRCh38, 1-based): chr6:1,611,604, G>C. VCF-style: chr6-1611604-G-C. GRCh37 (hg19) VCF-style: chr6-1611839-G-C.
Other names: short protein forms A387P.
Identifiers: ClinVar variation 2083355 (VCV002083355.4), dbSNP rs1471296145, ClinGen allele CA362560334.

ClinVar aggregate classification (germline): Uncertain significance (1 of 4 stars; one submission).

Conditions:
Axenfeld-Rieger syndrome type 3 (RIEG3). Also called: AXENFELD-RIEGER ANOMALY WITH CARDIAC DEFECTS AND/OR SENSORINEURAL HEARING LOSS. Identifiers: Orphanet 782, MedGen C2678503, MONDO:0011233, OMIM 602482.

Submission:

Labcorp Genetics (formerly Invitae), Labcorp
Classification: Uncertain significance for Axenfeld-Rieger syndrome type 3. Last evaluated: 2023-11-20. Review status: criteria provided, single submitter. Criteria: Invitae Variant Classification Sherloc (09022015). Collection method: clinical testing. Allele origin: germline.
Comment: This sequence change replaces alanine, which is neutral and non-polar, with proline, which is neutral and non-polar, at codon 387 of the FOXC1 protein (p.Ala387Pro). The frequency data for this variant in the population databases is considered unreliable, as metrics indicate insufficient coverage at this position in the gnomAD database. This variant has not been reported in the literature in individuals affected with FOXC1-related conditions. ClinVar contains an entry for this variant (Variation ID: 2083355). An algorithm developed to predict the effect of missense changes on protein structure and function (PolyPhen-2) suggests that this variant is likely to be disruptive. In summary, the available evidence is currently insufficient to determine the role of this variant in disease. Therefore, it has been classified as a Variant of Uncertain Significance.